The following is an entry in ClinVar:

NM_000038.6(APC):c.524_531+4del

Gene: APC (APC regulator of Wnt signaling pathway; plus strand). Cytogenetic location: 5q22.2.
Variant type: Deletion.
Coding change: c.524_531+4del on transcript NM_000038.6 (MANE Select); coding-DNA position 524 through 4 bases into the intron after coding-DNA position 531, 12 bases deleted (CTGAAAATGTAA).
Molecular consequence: splice donor variant.
Genome position (GRCh38, 1-based): chr5:112,775,730-112,775,741, CTGAAAATGTAA deleted; deleting any 12 consecutive bases within chr5:112,775,727-112,775,741 gives the same sequence; the c. name uses the placement nearest the transcript's 3' end. VCF-style (leftmost placement, unchanged base first): chr5-112775726-TTAACTGAAAATG-T. GRCh37 (hg19) VCF-style: chr5-112111423-TTAACTGAAAATG-T.
Other names: c.524_531+4del (NM_001354895.2, NM_001127510.3, NM_001354896.2 and 2 more transcripts); c.554_561+4del (NM_001354897.2, NM_001354902.2, NM_001127511.3); c.449_456+4del (NM_001354898.2, NM_001354904.2); c.-512_-505+4del (NM_001354906.2); c.347_354+4del (NM_001354900.2, NM_001354901.2, NM_001354905.2).
Identifiers: ClinVar variation 217993 (VCV000217993.18), dbSNP rs863225364, ClinGen allele CA279786.

ClinVar aggregate classification (germline): Pathogenic/Likely pathogenic. Review status: criteria provided, multiple submitters, no conflicts (2 of 4 stars). 3 submissions from 3 submitters: Pathogenic (1); Likely pathogenic (1). 1 of the submissions does not count toward it. Last evaluated 2019-05-31.

Conditions:
Hereditary cancer-predisposing syndrome. Also called: Hereditary Cancer Syndrome; Hereditary neoplastic syndrome; Neoplastic Syndromes, Hereditary; Tumor predisposition. Identifiers: Orphanet 140162, MedGen C0027672, MeSH D009386, MONDO:0015356.
Familial adenomatous polyposis 1 (FAP1). Also called: FAMILIAL ADENOMATOUS POLYPOSIS 1, ATTENUATED; POLYPOSIS, ADENOMATOUS INTESTINAL. Identifiers: MedGen C2713442, MONDO:0021056, OMIM 175100. Disease mechanism: loss of function.

Submissions (3):

Labcorp Genetics (formerly Invitae), Labcorp
Classification: Likely pathogenic for Familial adenomatous polyposis 1. Last evaluated: 2019-05-31. Review status: criteria provided, single submitter. Criteria: Invitae Variant Classification Sherloc (09022015). Collection method: clinical testing. Allele origin: germline.
Comment: In summary, the currently available evidence indicates that the variant is pathogenic, but additional data are needed to prove that conclusively. Therefore, this variant has been classified as Likely Pathogenic. This variant is a deletion of the genomic region encompassing part of exon 5 (c.524_531+4del) of the APC gene. It is expected to disrupt RNA splicing and likely results in an absent or disrupted protein product. This variant has not been reported in the literature in individuals with APC-related conditions. ClinVar contains an entry for this variant (Variation ID: 217993). Loss-of-function variants in APC are known to be pathogenic (PMID: 17963004, 20685668).

Ambry Genetics
Classification: Pathogenic for Hereditary cancer-predisposing syndrome. Last evaluated: 2016-04-12. Review status: criteria provided, single submitter. Criteria: Ambry Variant Classification Scheme 2023. Collection method: clinical testing. Allele origin: germline.
Comment: The c.524_531+4del12 pathogenic mutation, located at the 3' end of coding exon 4 in the APC gene, results from a deletion of 8 coding nucleotides and 4 intronic nucleotides at positions c.524 to c.531+4. Since both frameshifts and canonical splice donor site disruptions are typically deleterious in nature, this alteration is interpreted as a disease-causing mutation (ACMG Recommendations for Standards for Interpretation and Reporting of Sequence Variations. Revision 2007. Genet Med. 2008;10:294).

Mayo Clinic Laboratories, Mayo Clinic
Classification: Likely pathogenic. Review status: no assertion criteria provided. Collection method: research. Allele origin: unknown. Observed: 1 variant allele. Not counted in ClinVar's aggregate classification.

Literature cited by the submitters: PubMed 17963004 (cited by Labcorp Genetics (formerly Invitae), Labcorp); PubMed 20685668 (cited by Labcorp Genetics (formerly Invitae), Labcorp).